The following is an entry in ClinVar:

ClinVar aggregate classification (germline): Uncertain significance (1 of 4 stars; one submission).

Conditions:
Progressive microcephaly-seizures-cortical blindness-developmental delay syndrome. Also called: Seizures, cortical blindness, and microcephaly syndrome. Identifiers: Orphanet 477814, MedGen C5567650, MONDO:0014714, OMIM 616632.
Autosomal dominant nonsyndromic hearing loss 1. Also called: DEAFNESS, AUTOSOMAL DOMINANT 1, WITH OR WITHOUT THROMBOCYTOPENIA; KONIGSMARK SYNDROME. Identifiers: Orphanet 90635, MedGen C1852282, MONDO:0007424, OMIM 124900.

Allele frequency attached by ClinVar (database versions not stated): gnomAD exomes 0.00001 and 0.00002; ExAC 0.00002.

Submission:

Labcorp Genetics (formerly Invitae), Labcorp
Classification: Uncertain significance for Progressive microcephaly-seizures-cortical blindness-developmental delay syndrome; Autosomal dominant nonsyndromic hearing loss 1. Last evaluated: 2024-01-04. Review status: criteria provided, single submitter. Criteria: Invitae Variant Classification Sherloc (09022015). Collection method: clinical testing. Allele origin: germline.
Comment: This sequence change replaces glutamine, which is neutral and polar, with lysine, which is basic and polar, at codon 922 of the DIAPH1 protein (p.Gln922Lys). This variant is present in population databases (rs766891698, gnomAD 0.01%). This variant has not been reported in the literature in individuals affected with DIAPH1-related conditions. ClinVar contains an entry for this variant (Variation ID: 1462155). An algorithm developed to predict the effect of missense changes on protein structure and function (PolyPhen-2) suggests that this variant is likely to be disruptive. In summary, the available evidence is currently insufficient to determine the role of this variant in disease. Therefore, it has been classified as a Variant of Uncertain Significance.

NM_005219.5(DIAPH1):c.2764C>A (p.Gln922Lys)

Gene: DIAPH1 (diaphanous related formin 1; minus strand). Cytogenetic location: 5q31.3.
Variant type: single nucleotide variant.
Coding change: c.2764C>A on transcript NM_005219.5 (MANE Select); coding-DNA position 2764, C replaced by A.
Protein change: p.Gln922Lys; replaces glutamine 922 with lysine.
Molecular consequence: missense variant.
Genome position (GRCh38, 1-based): chr5:141,529,186, G>T on the plus strand (C>A on the coding strand, the complement: DIAPH1 is on the minus strand). VCF-style: chr5-141529186-G-T. GRCh37 (hg19) VCF-style: chr5-140908753-G-T.
Other names: c.2737C>A, p.Gln913Lys (NM_001079812.3); c.2764C>A, p.Gln922Lys (NM_001314007.2); short protein forms Q913K, Q922K.
Identifiers: ClinVar variation 1462155 (VCV001462155.6), dbSNP rs766891698, ClinGen allele CA3478965.